The following is an entry in ClinVar:

NM_002055.5(GFAP):c.159C>T (p.Ser53=)

Gene: GFAP (glial fibrillary acidic protein; minus strand). Cytogenetic location: 17q21.31.
Variant type: single nucleotide variant.
Coding change: c.159C>T on transcript NM_002055.5 (MANE Select); coding-DNA position 159, C replaced by T.
Protein change: p.Ser53=; no amino-acid change (serine 53 retained).
Molecular consequence: synonymous variant.
Genome position (GRCh38, 1-based): chr17:44,915,328, G>A on the plus strand (C>T on the coding strand, the complement: GFAP is on the minus strand). VCF-style: chr17-44915328-G-A. GRCh37 (hg19) VCF-style: chr17-42992696-G-A.
Other names: c.159C>T (NM_002055.4); c.159C>T, p.Ser53= (NM_001131019.3, NM_001242376.3, NM_001363846.2).
Identifiers: ClinVar variation 493216 (VCV000493216.50), dbSNP rs201451094, ClinGen allele CA8609085.

ClinVar aggregate classification (germline): Benign/Likely benign. Review status: criteria provided, multiple submitters, no conflicts (2 of 4 stars). 4 submissions from 4 submitters: Benign (1); Likely benign (2). 1 of the submissions does not count toward it. Last evaluated 2025-10-02.

Conditions:
GFAP-related disorder. Also called: GFAP-related condition; GFAP-related disorders.

Allele frequency attached by ClinVar (database versions not stated): gnomAD 0.00004 and 0.00005; TOPMed 0.00007; gnomAD exomes 0.00010 and 0.00020; 1000 Genomes Project 30x 0.00016; ExAC 0.00017; 1000 Genomes Project 0.00020.

Submissions (4):

Labcorp Genetics (formerly Invitae), Labcorp
Classification: Benign. Last evaluated: 2025-10-02. Review status: criteria provided, single submitter. Criteria: Invitae Variant Classification Sherloc (09022015). Collection method: clinical testing. Allele origin: germline.

CeGaT Center for Human Genetics Tuebingen
Classification: Likely benign. Last evaluated: 2025-04-01. Review status: criteria provided, single submitter. Criteria: CeGaT Center For Human Genetics Tuebingen Variant Classification Criteria Version 2. Collection method: clinical testing. Allele origin: germline. Affected: yes. Observed: 3 variant alleles.
Comment: GFAP: BP4, BP7

Blueprint Genetics
Classification: Likely benign. Last evaluated: 2024-11-01. Review status: criteria provided, single submitter. Criteria: ACMG Guidelines, 2015. Collection method: clinical testing. Allele origin: germline.

PreventionGenetics, part of Exact Sciences
Classification: Likely benign for GFAP-related condition. Last evaluated: 2019-04-01. Review status: no assertion criteria provided. Collection method: clinical testing. Allele origin: germline. Not counted in ClinVar's aggregate classification.
Comment: This variant is classified as likely benign based on ACMG/AMP sequence variant interpretation guidelines (Richards et al. 2015 PMID: 25741868, with internal and published modifications).